The following is an entry in ClinVar:

NM_004453.4(ETFDH):c.1084G>A (p.Gly362Arg)

Gene: ETFDH (electron transfer flavoprotein dehydrogenase; plus strand). Cytogenetic location: 4q32.1.
Variant type: single nucleotide variant.
Coding change: c.1084G>A on transcript NM_004453.4 (MANE Select); coding-DNA position 1084, G replaced by A.
Protein change: p.Gly362Arg; replaces glycine 362 with arginine.
Molecular consequence: missense variant.
Genome position (GRCh38, 1-based): chr4:158,699,098, G>A. VCF-style: chr4-158699098-G-A. GRCh37 (hg19) VCF-style: chr4-159620250-G-A.
Other names: c.943G>A, p.Gly315Arg (NM_001281737.2); c.901G>A, p.Gly301Arg (NM_001281738.1); short protein forms G362R, G301R, G315R.
Identifiers: ClinVar variation 459962 (VCV000459962.19), dbSNP rs369711837, ClinGen allele CA3122544.
Genomic context (GRCh38, chr4:158,699,098, plus strand): 5'-AGGTGGAAACACCATCCTAGCATTCGGCCAACCTTGGAAGGTGGAAAAAGGATTGCATAC[G>A]GAGCCAGAGCTCTCAATGAAGGTGGCTTTCAGGTAACTCTTCCAACTTTTATTTTCCTTG-3'
Protein context (NP_004444.2, residues 352-372): TLEGGKRIAY[Gly362Arg]ARALNEGGFQ

ClinVar aggregate classification (germline): Likely pathogenic. Review status: criteria provided, multiple submitters, no conflicts (2 of 4 stars). 7 submissions from 7 submitters: Likely pathogenic (7). Last evaluated 2026-01-19.

Conditions:
ETFDH-related disorder. Also called: ETFDH-related condition.
Glutaric acidemia type 2C.
Multiple acyl-CoA dehydrogenase deficiency (MADD). Also called: Glutaric aciduria, type 2; Glutaric acidemia type II; GA 2; ETHYLMALONIC-ADIPICACIDURIA; GA II; Glutaric Acidemia type 2. Identifiers: Orphanet 26791, MedGen C0268596, MONDO:0009282, OMIM 231680.

Allele frequency attached by ClinVar (database versions not stated): ExAC 0.00001; gnomAD exomes 0.00002 and 0.00003; gnomAD 0.00003; TOPMed 0.00003; ESP Exome Variant Server 0.00008.
gnomAD v4.1: 44 of 1,613,810 alleles (0.0027%); highest among the groups gnomAD compares: Non-Finnish European, 0.0036%; no homozygotes.

Submissions (7):

Labcorp Genetics (formerly Invitae), Labcorp
Classification: Likely pathogenic for Multiple acyl-CoA dehydrogenase deficiency. Last evaluated: 2026-01-19. Review status: criteria provided, single submitter. Criteria: Invitae Variant Classification Sherloc (09022015). Collection method: clinical testing. Allele origin: germline.
Comment: This sequence change replaces glycine, which is neutral and non-polar, with arginine, which is basic and polar, at codon 362 of the ETFDH protein (p.Gly362Arg). This variant is present in population databases (rs369711837, gnomAD 0.004%). This missense change has been observed in individual(s) with multiple acyl-CoA dehydrogenase deficiency or glutaric aciduria type II (PMID: 18289905, 19758981, 38941880). ClinVar contains an entry for this variant (Variation ID: 459962). Invitae Evidence Modeling of protein sequence and biophysical properties (such as structural, functional, and spatial information, amino acid conservation, physicochemical variation, residue mobility, and thermodynamic stability) indicates that this missense variant is expected to disrupt ETFDH protein function with a positive predictive value of 80%. In summary, the currently available evidence indicates that the variant is pathogenic, but additional data are needed to prove that conclusively. Therefore, this variant has been classified as Likely Pathogenic.

Natera, Inc.
Classification: Likely pathogenic for Glutaric acidemia type 2C. Last evaluated: 2025-08-07. Review status: criteria provided, single submitter. Criteria: Natera Variant Classification Schema (03/2026). Collection method: clinical testing. Allele origin: germline.
Comment: The c.1084G>A variant in ETFDH is a missense variant predicted to cause substitution of glycine to arginine at amino acid 362. This variant is rare in the general population with a frequency below the threshold expected for the associated phenotype(s). This variant has been observed in one or more individuals affected with the associated recessive disease, as either homozygous or compound heterozygous with a second variant (PMID: 18289905, 34718578, 24357026). Computational prediction algorithms indicate this variant is likely to affect gene or protein function. Given the available evidence, this variant is classified as Likely Pathogenic.

Dasa
Classification: Likely pathogenic. Last evaluated: 2025-06-17. Review status: criteria provided, single submitter. Criteria: DASA Assertion Criteria. Collection method: clinical testing. Allele origin: germline.
Comment: NM_004453.4(ETFDH):c.1084G>A (p.Gly362Arg) is a missense variant that results in the substitution of glycine with arginine. The affected residue or protein region has prior evidence supporting clinical relevance. This variant has been recurrently observed in individuals with ETFDH-related disorders (PMID: 19758981; PMID: 18289905). Also, this variant is rare in population databases. Computational evidence supports a deleterious effect. Based on the currently available evidence, this variant is classified as likely pathogenic.

Fulgent Genetics
Classification: Likely pathogenic for Multiple acyl-CoA dehydrogenase deficiency. Last evaluated: 2024-05-14. Review status: criteria provided, single submitter. Criteria: ACMG Guidelines, 2015. Collection method: clinical testing. Allele origin: germline.

Baylor Genetics
Classification: Likely pathogenic for Multiple acyl-CoA dehydrogenase deficiency. Last evaluated: 2024-03-23. Review status: criteria provided, single submitter. Criteria: ACMG Guidelines, 2015. Collection method: clinical testing. Allele origin: unknown.

PreventionGenetics, part of Exact Sciences
Classification: Likely pathogenic for ETFDH-related condition. Last evaluated: 2023-09-26. Review status: criteria provided, single submitter. Criteria: ACMG Guidelines, 2015. Collection method: clinical testing. Allele origin: germline.
Comment: The ETFDH c.1084G>A variant is predicted to result in the amino acid substitution p.Gly362Arg. This variant was reported in the compound heterozygous state in individuals who presented with suspected late-onset glutaric acidemia type 2 and ETFDH deficiency (Yotsumoto et al. 2008. PubMed ID: 18289905) or riboflavin-responsive lipid-storage myopathy (Wen et al. 2009. PubMed ID: 19758981). This variant was also described in the heterozygous state in an individual with multiple acyl-CoA dehydrogenase deficiency; however, a second plausible causative variant was not identified (Zhu et al. 2014. PubMed ID: 24522293). This variant is reported in 0.0044% of alleles in individuals of European (Non-Finnish) descent in gnomAD. This variant is interpreted as likely pathogenic.

Juno Genomics, Hangzhou Juno Genomics, Inc
Classification: Likely pathogenic for Multiple acyl-CoA dehydrogenase deficiency. Review status: criteria provided, single submitter. Criteria: ACMG Guidelines, 2015. Collection method: clinical testing. Allele origin: germline.
Comment: Absent from controls (or at extremely low frequency if recessive) in Genome Aggregation Database.;Multiple lines of computational evidence support a deleterious effect on the gene or gene product.;For recessive disorders, detected in trans with a pathogenic variant.

Literature cited by the submitters: PubMed 18289905 (cited by 3 submitters); PubMed 19758981 (cited by Labcorp Genetics (formerly Invitae), Labcorp and Dasa); PubMed 38941880 (cited by Labcorp Genetics (formerly Invitae), Labcorp); PubMed 34718578 (cited by Natera, Inc.); PubMed 24357026 (cited by Natera, Inc.); PubMed 24522293 (cited by Dasa).